The following is an entry in ClinVar:

NM_001127.4(AP1B1):c.405A>G (p.Pro135=)

Gene: AP1B1 (adaptor related protein complex 1 subunit beta 1; minus strand). Cytogenetic location: 22q12.2.
Variant type: single nucleotide variant.
Coding change: c.405A>G on transcript NM_001127.4 (MANE Select); coding-DNA position 405, A replaced by G.
Protein change: p.Pro135=; no amino-acid change (proline 135 retained).
Molecular consequence: synonymous variant.
Genome position (GRCh38, 1-based): chr22:29,358,846, T>C on the plus strand (A>G on the coding strand, the complement: AP1B1 is on the minus strand). VCF-style: chr22-29358846-T-C. GRCh37 (hg19) VCF-style: chr22-29754835-T-C.
Other names: c.405A>G, p.Pro135= (NM_001166019.2, NM_001378562.1, NM_001378563.1 and 2 more transcripts); c.234A>G, p.Pro78= (NM_001378564.1, NM_001378565.1).
Identifiers: ClinVar variation 4978944 (VCV004978944.1).

ClinVar aggregate classification (germline): Likely benign (1 of 4 stars; one submission).

Conditions:
AP1B1-related disorder. Also called: AP1B1-related condition.

gnomAD v4.1: 14 of 1,614,104 alleles (0.00087%); highest among the groups gnomAD compares: South Asian, 0.0022%; no homozygotes.

Submission:

PreventionGenetics, part of Exact Sciences
Classification: Likely benign for AP1B1-related condition. Last evaluated: 2026-04-04. Review status: criteria provided, single submitter. Criteria: ACMG Guidelines, 2015. Collection method: clinical testing. Allele origin: germline.
Comment: This variant is classified as likely benign based on ACMG/AMP sequence variant interpretation guidelines (Richards et al. 2015 PMID: 25741868, with internal and published modifications).